The following is an entry in ClinVar:

ClinVar aggregate classification (germline): Uncertain significance (1 of 4 stars; one submission).

Submission:

Labcorp Genetics (formerly Invitae), Labcorp
Classification: Uncertain significance. Last evaluated: 2025-07-21. Review status: criteria provided, single submitter. Criteria: Invitae Variant Classification Sherloc (09022015). Collection method: clinical testing. Allele origin: germline.
Comment: This sequence change replaces aspartic acid, which is acidic and polar, with asparagine, which is neutral and polar, at codon 472 of the GSN protein (p.Asp472Asn). This variant is present in population databases (rs762866677, gnomAD 0.0009%). This variant has not been reported in the literature in individuals affected with GSN-related conditions. Invitae Evidence Modeling of protein sequence and biophysical properties (such as structural, functional, and spatial information, amino acid conservation, physicochemical variation, residue mobility, and thermodynamic stability) indicates that this missense variant is not expected to disrupt GSN protein function with a negative predictive value of 80%. In summary, the available evidence is currently insufficient to determine the role of this variant in disease. Therefore, it has been classified as a Variant of Uncertain Significance.

NM_198252.3(GSN):c.1261G>A (p.Asp421Asn)

Gene: GSN (gelsolin; plus strand). Cytogenetic location: 9q33.2.
Variant type: single nucleotide variant.
Coding change: c.1261G>A on transcript NM_198252.3 (MANE Select); coding-DNA position 1261, G replaced by A.
Protein change: p.Asp421Asn; replaces aspartic acid 421 with asparagine.
Molecular consequence: missense variant.
Genome position (GRCh38, 1-based): chr9:121,321,337, G>A. VCF-style: chr9-121321337-G-A. GRCh37 (hg19) VCF-style: chr9-124083615-G-A.
Other names: c.1414G>A, p.Asp472Asn (NM_000177.5); c.1261G>A, p.Asp421Asn (NM_001127662.2, NM_001127664.2, NM_001127665.2 and 10 more transcripts); c.1369G>A, p.Asp457Asn (NM_001127663.2); c.1294G>A, p.Asp432Asn (NM_001127666.2, NM_001127667.2, NM_001353063.2 and 13 more transcripts); c.1312G>A, p.Asp438Asn (NM_001258029.2); c.1285G>A, p.Asp429Asn (NM_001258030.2); c.1333G>A, p.Asp445Asn (NM_001353076.2); c.607G>A, p.Asp203Asn (NM_001353078.2); short protein forms D203N, D429N, D421N, D445N, D438N, D457N, D472N, D432N.
Identifiers: ClinVar variation 4695955 (VCV004695955.1).
Genomic context (GRCh38, chr9:121,321,337, plus strand): 5'-ATCGAAGGTTCCAACAAGGTGCCCGTGGACCCTGCCACATATGGACAGTTCTATGGAGGC[G>A]ACAGCTACATCATTCTGTACAACTACCGCCATGGTGGCCGCCAGGGGCAGATAATCTATA-3'
Protein context (NP_937895.1, residues 411-431): PATYGQFYGG[Asp421Asn]SYIILYNYRH